The following is an entry in ClinVar:

NC_000002.11:g.(?_179517165)_(179517483_?)dup

Gene: TTN (titin; minus strand). Cytogenetic location: 2q31.2.
Variant type: Duplication.
Identifiers: ClinVar variation 1432159 (VCV001432159.1).

ClinVar aggregate classification (germline): Uncertain significance (1 of 4 stars; one submission).

Conditions:
Dilated cardiomyopathy 1G (CMD1G). Identifiers: Orphanet 154, MedGen C1858763, MONDO:0011400, OMIM 604145.
Autosomal recessive limb-girdle muscular dystrophy type 2J (LGMDR10). Also called: MUSCULAR DYSTROPHY, LIMB-GIRDLE, AUTOSOMAL RECESSIVE 10; Limb-girdle muscular dystrophy, type 2J. Identifiers: Orphanet 140922, MedGen C1837342, MONDO:0012127, OMIM 608807.

Submission:

Labcorp Genetics (formerly Invitae), Labcorp
Classification: Uncertain significance for Dilated cardiomyopathy 1G; Autosomal recessive limb-girdle muscular dystrophy type 2J. Last evaluated: 2021-08-24. Review status: criteria provided, single submitter. Criteria: Invitae Variant Classification Sherloc (09022015). Collection method: clinical testing. Allele origin: germline.
Comment: This variant results in a copy number gain of the genomic region encompassing exon(s) 202 of the TTN gene. This copy number gain extends beyond the assayed region for this gene. While the exact position of this variant cannot be determined from the data, sub-genic copy number gains are generally in tandem (PMID: 25640679). This variant is predicted to be in-frame, and likely preserves the integrity of the reading frame. This variant has not been reported in the literature in individuals affected with TTN-related conditions. This variant disrupts the I band of TTN (PMID: 25589632). Copy number variants in TTN have been previously reported in individuals affected with neuromuscular disorders (PMID: 29792937, 30238059), but the functional significance of this variant is currently unknown. In summary, the available evidence is currently insufficient to determine the role of this variant in disease. Therefore, it has been classified as a Variant of Uncertain Significance.

Literature cited by the submitters: PubMed 25640679; PubMed 25589632; PubMed 29792937; PubMed 30238059.